The following is an entry in ClinVar:

ClinVar aggregate classification (germline): Pathogenic (1 of 4 stars; one submission).

Conditions:
DNA ligase IV deficiency. Identifiers: Orphanet 99812, MedGen C1847827, MONDO:0011686, OMIM 606593.

Submission:

Labcorp Genetics (formerly Invitae), Labcorp
Classification: Pathogenic for DNA ligase IV deficiency. Last evaluated: 2023-11-11. Review status: criteria provided, single submitter. Criteria: Invitae Variant Classification Sherloc (09022015). Collection method: clinical testing. Allele origin: germline.
Comment: This sequence change creates a premature translational stop signal (p.Glu600*) in the LIG4 gene. While this is not anticipated to result in nonsense mediated decay, it is expected to disrupt the last 312 amino acid(s) of the LIG4 protein. This variant is not present in population databases (gnomAD no frequency). This variant has not been reported in the literature in individuals affected with LIG4-related conditions. This variant disrupts a region of the LIG4 protein in which other variant(s) (p.Gln904*) have been determined to be pathogenic (PMID: 34630384). This suggests that this is a clinically significant region of the protein, and that variants that disrupt it are likely to be disease-causing. For these reasons, this variant has been classified as Pathogenic.

Literature cited by the submitters: PubMed 34630384.

NM_206937.2(LIG4):c.1798G>T (p.Glu600Ter)

Gene: LIG4 (DNA ligase 4; minus strand). Cytogenetic location: 13q33.3.
Variant type: single nucleotide variant.
Coding change: c.1798G>T on transcript NM_206937.2 (MANE Select); coding-DNA position 1798, G replaced by T.
Protein change: p.Glu600Ter; replaces glutamic acid 600 with a stop codon.
Molecular consequence: nonsense.
Genome position (GRCh38, 1-based): chr13:108,209,471, C>A on the plus strand (G>T on the coding strand, the complement: LIG4 is on the minus strand). VCF-style: chr13-108209471-C-A. GRCh37 (hg19) VCF-style: chr13-108861819-C-A.
Other names: c.1798G>T, p.Glu600Ter (NM_001098268.2, NM_001352598.2, NM_001352599.2 and 6 more transcripts); c.1597G>T, p.Glu533Ter (NM_001330595.2); c.1834G>T, p.Glu612Ter (NM_001352604.2); short protein forms E600*, E533*, E612*.
Identifiers: ClinVar variation 2875382 (VCV002875382.3), dbSNP rs61731910, ClinGen allele CA388615982.